The following is an entry in ClinVar:

ClinVar aggregate classification (germline): Likely benign (1 of 4 stars; one submission).

Conditions:
ELN-related disorder.

Submission:

PreventionGenetics, part of Exact Sciences
Classification: Likely benign for ELN-related condition. Last evaluated: 2026-04-15. Review status: criteria provided, single submitter. Criteria: ACMG Guidelines, 2015. Collection method: clinical testing. Allele origin: germline.
Comment: This variant is classified as likely benign based on ACMG/AMP sequence variant interpretation guidelines (Richards et al. 2015 PMID: 25741868, with internal and published modifications).

NM_000501.4(ELN):c.427+10G>A

Gene: ELN (elastin; plus strand). Cytogenetic location: 7q11.23.
Variant type: single nucleotide variant.
Coding change: c.427+10G>A on transcript NM_000501.4 (MANE Select); 10 bases into the intron after coding-DNA position 427, G replaced by A.
Molecular consequence: intron variant.
Genome position (GRCh38, 1-based): chr7:74,043,178, G>A. VCF-style: chr7-74043178-G-A. GRCh37 (hg19) VCF-style: chr7-73457508-G-A.
Other names: c.442+10G>A (NM_001081754.3, NM_001081753.3); c.427+10G>A (NM_001278939.2, NM_001278915.2, NM_001278912.2 and 2 more transcripts); c.391+10G>A (NM_001278913.2); c.412+10G>A (NM_001278914.2); c.397+10G>A (NM_001278917.2, NM_001081752.3, NM_001278918.2).
Identifiers: ClinVar variation 4994594 (VCV004994594.1).